The following is an entry in ClinVar:

NM_181712.5(KANK4):c.1579G>A (p.Asp527Asn)

Gene: KANK4 (KN motif and ankyrin repeat domains 4; minus strand). Cytogenetic location: 1p31.3.
Variant type: single nucleotide variant.
Coding change: c.1579G>A on transcript NM_181712.5 (MANE Select); coding-DNA position 1579, G replaced by A.
Protein change: p.Asp527Asn; replaces aspartic acid 527 with asparagine.
Molecular consequence: missense variant. On other transcripts: intron variant (1).
Genome position (GRCh38, 1-based): chr1:62,273,525, C>T on the plus strand (G>A on the coding strand, the complement: KANK4 is on the minus strand). VCF-style: chr1-62273525-C-T. GRCh37 (hg19) VCF-style: chr1-62739197-C-T.
Other names: c.17-1936G>A (NM_001320269.2); short protein forms D527N.
Identifiers: ClinVar variation 1409350 (VCV001409350.6), dbSNP rs777299965, ClinGen allele CA884351.

ClinVar aggregate classification (germline): Uncertain significance (1 of 4 stars; one submission).

Allele frequency attached by ClinVar (database versions not stated): TOPMed 0.00008; gnomAD 0.00003; gnomAD exomes 0.00003 and 0.00009; ExAC 0.00011.
gnomAD v4.1: 45 of 1,613,342 alleles (0.0028%); highest among the groups gnomAD compares: East Asian, 0.071%; no homozygotes.

Submission:

Labcorp Genetics (formerly Invitae), Labcorp
Classification: Uncertain significance. Last evaluated: 2022-09-07. Review status: criteria provided, single submitter. Criteria: Invitae Variant Classification Sherloc (09022015). Collection method: clinical testing. Allele origin: germline.
Comment: This sequence change replaces aspartic acid, which is acidic and polar, with asparagine, which is neutral and polar, at codon 527 of the KANK4 protein (p.Asp527Asn). This variant is present in population databases (rs777299965, gnomAD 0.09%), and has an allele count higher than expected for a pathogenic variant. This variant has not been reported in the literature in individuals affected with KANK4-related conditions. ClinVar contains an entry for this variant (Variation ID: 1409350). Algorithms developed to predict the effect of missense changes on protein structure and function (SIFT, PolyPhen-2, Align-GVGD) all suggest that this variant is likely to be tolerated. In summary, the available evidence is currently insufficient to determine the role of this variant in disease. Therefore, it has been classified as a Variant of Uncertain Significance.